The following is an entry in ClinVar:

ClinVar aggregate classification (germline): Uncertain significance (1 of 4 stars; one submission).

Submission:

GeneDx
Classification: Uncertain significance. Last evaluated: 2023-02-21. Review status: criteria provided, single submitter. Criteria: GeneDx Variant Classification Process June 2021. Collection method: clinical testing. Allele origin: germline. Affected: yes.
Comment: Not observed at significant frequency in large population cohorts (gnomAD); In silico analysis supports that this missense variant has a deleterious effect on protein structure/function; Has not been previously published as pathogenic or benign to our knowledge; This variant is associated with the following publications: (PMID: 28393830)

NM_015450.3(POT1):c.1091C>G (p.Ala364Gly)

Gene: POT1 (protection of telomeres 1; minus strand). Cytogenetic location: 7q31.33.
Variant type: single nucleotide variant.
Coding change: c.1091C>G on transcript NM_015450.3 (MANE Select); coding-DNA position 1091, C replaced by G.
Protein change: p.Ala364Gly; replaces alanine 364 with glycine.
Molecular consequence: missense variant. On other transcripts: non-coding transcript variant (3).
Genome position (GRCh38, 1-based): chr7:124,842,879, G>C on the plus strand (C>G on the coding strand, the complement: POT1 is on the minus strand). VCF-style: chr7-124842879-G-C. GRCh37 (hg19) VCF-style: chr7-124482933-G-C.
Other names: c.698C>G, p.Ala233Gly (NM_001042594.2); short protein forms A233G, A364G.
Identifiers: ClinVar variation 2576921 (VCV002576921.1), dbSNP rs2485402057, ClinGen allele CA369068361.